The following is an entry in ClinVar:

NM_000937.5(POLR2A):c.3518C>T (p.Thr1173Ile)

Gene: POLR2A (RNA polymerase II subunit A; plus strand). Cytogenetic location: 17p13.1.
Variant type: single nucleotide variant.
Coding change: c.3518C>T on transcript NM_000937.5 (MANE Select); coding-DNA position 3518, C replaced by T.
Protein change: p.Thr1173Ile; replaces threonine 1173 with isoleucine.
Molecular consequence: missense variant.
Genome position (GRCh38, 1-based): chr17:7,508,996, C>T. VCF-style: chr17-7508996-C-T. GRCh37 (hg19) VCF-style: chr17-7412315-C-T.
Other names: short protein forms T1173I.
Identifiers: ClinVar variation 1307950 (VCV001307950.2), dbSNP rs2150887612, ClinGen allele CA397810307.

ClinVar aggregate classification (germline): Uncertain significance (1 of 4 stars; one submission).

Submission:

GeneDx
Classification: Uncertain significance. Last evaluated: 2019-08-26. Review status: criteria provided, single submitter. Criteria: GeneDx Variant Classification Process June 2021. Collection method: clinical testing. Allele origin: germline. Affected: yes.
Comment: Not observed in large population cohorts (Lek et al., 2016); In silico analysis, which includes protein predictors and evolutionary conservation, supports a deleterious effect; Has not been previously published as pathogenic or benign to our knowledge